The following is an entry in ClinVar:

ClinVar aggregate classification (germline): Pathogenic (1 of 4 stars; one submission).

Submission:

Labcorp Genetics (formerly Invitae), Labcorp
Classification: Pathogenic. Last evaluated: 2022-09-01. Review status: criteria provided, single submitter. Criteria: Invitae Variant Classification Sherloc (09022015). Collection method: clinical testing. Allele origin: germline.
Comment: For these reasons, this variant has been classified as Pathogenic. This variant has not been reported in the literature in individuals affected with SCLT1-related conditions. This variant is a gross deletion of the genomic region encompassing exon(s) 15-18 of the SCLT1 gene. This deletion is out-of-frame, and is expected to create a premature termination codon and result in an absent or disrupted protein product. Loss-of-function variants in SCLT1 are known to be pathogenic (PMID: 28005958).

Literature cited by the submitters: PubMed 28005958.

NC_000004.11:g.(?_129857790)_(129869745_?)del

Gene: SCLT1 (sodium channel and clathrin linker 1; minus strand). Cytogenetic location: 4q28.2.
Variant type: Deletion.
Identifiers: ClinVar variation 1451934 (VCV001451934.5).